The following is an entry in ClinVar:

NM_000548.5(TSC2):c.2023G>T (p.Ala675Ser)

Gene: TSC2 (TSC complex subunit 2; plus strand). Cytogenetic location: 16p13.3.
Variant type: single nucleotide variant.
Coding change: c.2023G>T on transcript NM_000548.5 (MANE Select); coding-DNA position 2023, G replaced by T.
Protein change: p.Ala675Ser; replaces alanine 675 with serine.
Molecular consequence: missense variant.
Genome position (GRCh38, 1-based): chr16:2,071,860, G>T. VCF-style: chr16-2071860-G-T. GRCh37 (hg19) VCF-style: chr16-2121861-G-T.
Other names: c.2023G>T, p.Ala675Ser (NM_001077183.3, NM_001114382.3, NM_001363528.2 and 3 more transcripts); c.1912G>T, p.Ala638Ser (NM_001318827.2); c.1876G>T, p.Ala626Ser (NM_001318829.2); c.1423G>T, p.Ala475Ser (NM_001318831.2); c.2056G>T, p.Ala686Ser (NM_001318832.2); short protein forms A675S, A475S, A626S, A638S, A686S.
Identifiers: ClinVar variation 535866 (VCV000535866.23), dbSNP rs764840082, ClinGen allele CA276737715.

ClinVar aggregate classification (germline): Conflicting classifications of pathogenicity. Review status: criteria provided, conflicting classifications (1 of 4 stars). 6 submissions from 6 submitters: Uncertain significance (4); Benign (2). Last evaluated 2026-03-03.

Conditions:
Lymphangiomyomatosis (LAM). Also called: Lymphangioleiomyomatosis; Lymphangioleiomyomatosis, somatic. Identifiers: Orphanet 538, MedGen C0751674, MONDO:0011705, OMIM 606690.
Tuberous sclerosis 2 (TSC2). Identifiers: Orphanet 805, MedGen C1860707, MONDO:0013199, OMIM 613254.
Isolated focal cortical dysplasia type II (FCORD2). Also called: Focal cortical dysplasia type II; CORTICAL DYSPLASIA OF TAYLOR. Identifiers: Orphanet 268994, MedGen C1846385, MONDO:0011818, OMIM 607341, HP:0032051.
Hereditary cancer-predisposing syndrome. Also called: Neoplastic Syndromes, Hereditary; Hereditary Cancer Syndrome; Tumor predisposition; Hereditary neoplastic syndrome. Identifiers: Orphanet 140162, MedGen C0027672, MeSH D009386, MONDO:0015356.
Tuberous sclerosis syndrome (TSC). Also called: Tuberous Sclerosis Complex; Tuberous sclerosis. Identifiers: Orphanet 805, MedGen C0041341, MONDO:0001734.

Allele frequency attached by ClinVar (database versions not stated): gnomAD exomes 0.00001 and 0.00002.
gnomAD v4.1: 12 of 1,535,196 alleles (0.00078%); highest among the groups gnomAD compares: Non-Finnish European, 0.00096%; no homozygotes.

Submissions (6):

Dasa
Classification: Uncertain significance for Tuberous sclerosis 2. Last evaluated: 2026-03-03. Review status: criteria provided, single submitter. Criteria: DASA Assertion Criteria. Collection method: clinical testing. Allele origin: germline.
Comment: NM_000548.5(TSC2):c.2023G>T (p.Ala675Ser) is a missense variant that results in the substitution of alanine with serine. This variant is rare in population databases. The currently available literature and clinical evidence are not sufficient to establish a definitive association between this variant and the reported condition. Therefore, this variant is classified as a variant of uncertain significance.

Labcorp Genetics (formerly Invitae), Labcorp
Classification: Benign for Tuberous sclerosis 2. Last evaluated: 2026-01-06. Review status: criteria provided, single submitter. Criteria: Invitae Variant Classification Sherloc (09022015). Collection method: clinical testing. Allele origin: germline.

Ambry Genetics
Classification: Benign for Hereditary cancer-predisposing syndrome. Last evaluated: 2023-12-20. Review status: criteria provided, single submitter. Criteria: Ambry Variant Classification Scheme 2023. Collection method: clinical testing. Allele origin: germline.

All of Us Research Program, National Institutes of Health
Classification: Uncertain significance for Tuberous sclerosis syndrome. Last evaluated: 2023-08-23. Review status: criteria provided, single submitter. Criteria: ACMG Guidelines, 2015. Collection method: clinical testing. Allele origin: germline. Inheritance: Autosomal dominant inheritance. Observed: 3 variant alleles, 3 heterozygotes.
Comment: This missense variant replaces alanine with serine at codon 675 of the TSC2 protein. Computational prediction suggests that this variant may not impact protein structure and function (internally defined REVEL score threshold <= 0.5, PMID: 27666373). To our knowledge, functional studies have not been reported for this variant. This variant has not been reported in individuals affected with tuberous sclerosis complex in the literature. This variant has been identified in 2/130900 chromosomes in the general population by the Genome Aggregation Database (gnomAD). The available evidence is insufficient to determine the role of this variant in disease conclusively. Therefore, this variant is classified as a Variant of Uncertain Significance.

This study involves interpretation of variants in research participants for the purpose of population health screening. Participant phenotype was not available at the time of variant classification. Additional details can be found in publication PMID: 35346344, PMCID: PMC8962531

Genome-Nilou Lab
Classification: Uncertain significance for Tuberous sclerosis 2. Last evaluated: 2021-11-07. Review status: criteria provided, single submitter. Criteria: ACMG Guidelines, 2015. Collection method: clinical testing. Allele origin: germline. Affected: no.

Fulgent Genetics
Classification: Uncertain significance for Lymphangiomyomatosis; Isolated focal cortical dysplasia type II; Tuberous sclerosis 2. Last evaluated: 2018-10-31. Review status: criteria provided, single submitter. Criteria: ACMG Guidelines, 2015. Collection method: clinical testing. Allele origin: unknown.